The following is an entry in ClinVar:

NM_001170629.2(CHD8):c.6167G>C (p.Arg2056Pro)

Gene: CHD8 (chromodomain helicase DNA binding protein 8; minus strand). Cytogenetic location: 14q11.2.
Variant type: single nucleotide variant.
Coding change: c.6167G>C on transcript NM_001170629.2 (MANE Select); coding-DNA position 6167, G replaced by C.
Protein change: p.Arg2056Pro; replaces arginine 2056 with proline.
Molecular consequence: missense variant.
Genome position (GRCh38, 1-based): chr14:21,393,628, C>G on the plus strand (G>C on the coding strand, the complement: CHD8 is on the minus strand). VCF-style: chr14-21393628-C-G. GRCh37 (hg19) VCF-style: chr14-21861787-C-G.
Other names: c.5330G>C, p.Arg1777Pro (NM_020920.4); short protein forms R1777P, R2056P.
Identifiers: ClinVar variation 2996287 (VCV002996287.3), dbSNP rs572070685, ClinGen allele CA257593057.

ClinVar aggregate classification (germline): Uncertain significance (1 of 4 stars; one submission).

Submission:

Labcorp Genetics (formerly Invitae), Labcorp
Classification: Uncertain significance. Last evaluated: 2023-08-07. Review status: criteria provided, single submitter. Criteria: Invitae Variant Classification Sherloc (09022015). Collection method: clinical testing. Allele origin: germline.
Comment: This sequence change replaces arginine, which is basic and polar, with proline, which is neutral and non-polar, at codon 2056 of the CHD8 protein (p.Arg2056Pro). This variant is present in population databases (rs572070685, gnomAD 0.003%). This variant has not been reported in the literature in individuals affected with CHD8-related conditions. Advanced modeling of protein sequence and biophysical properties (such as structural, functional, and spatial information, amino acid conservation, physicochemical variation, residue mobility, and thermodynamic stability) performed at Invitae indicates that this missense variant is not expected to disrupt CHD8 protein function. In summary, the available evidence is currently insufficient to determine the role of this variant in disease. Therefore, it has been classified as a Variant of Uncertain Significance.